The following is an entry in ClinVar:

ClinVar aggregate classification (germline): Uncertain significance (1 of 4 stars; one submission).

Conditions:
Bethlem myopathy 1A. Also called: Bethlem Muscular Dystrophy; MYOPATHY, BENIGN CONGENITAL, WITH CONTRACTURES; Bethlem myopathy 1. Identifiers: Orphanet 610, MedGen CN029274, MONDO:0024530, OMIM 158810.

Allele frequency attached by ClinVar (database versions not stated): TOPMed below 0.00001; gnomAD 0.00001.
gnomAD v4.1: 1 of 1,613,908 alleles (0.000062%); highest among the groups gnomAD compares: Non-Finnish European, 0.000085%; no homozygotes.

Submission:

Labcorp Genetics (formerly Invitae), Labcorp
Classification: Uncertain significance for Bethlem myopathy 1A. Last evaluated: 2019-06-25. Review status: criteria provided, single submitter. Criteria: Invitae Variant Classification Sherloc (09022015). Collection method: clinical testing. Allele origin: germline.
Comment: This sequence change replaces alanine with valine at codon 2957 of the COL6A3 protein (p.Ala2957Val). The alanine residue is weakly conserved and there is a small physicochemical difference between alanine and valine. In summary, the available evidence is currently insufficient to determine the role of this variant in disease. Therefore, it has been classified as a Variant of Uncertain Significance. Algorithms developed to predict the effect of missense changes on protein structure and function output the following: SIFT: "Tolerated"; PolyPhen-2: "Not Available"; Align-GVGD: "Class C0". The valine amino acid residue is found in multiple mammalian species, suggesting that this missense change does not adversely affect protein function. These predictions have not been confirmed by published functional studies and their clinical significance is uncertain. This variant has not been reported in the literature in individuals with COL6A3-related conditions. This variant is not present in population databases (ExAC no frequency).

NM_004369.4(COL6A3):c.8870C>T (p.Ala2957Val)

Gene: COL6A3 (collagen type VI alpha 3 chain; minus strand). Cytogenetic location: 2q37.3.
Variant type: single nucleotide variant.
Coding change: c.8870C>T on transcript NM_004369.4 (MANE Select); coding-DNA position 8870, C replaced by T.
Protein change: p.Ala2957Val; replaces alanine 2957 with valine.
Molecular consequence: missense variant.
Genome position (GRCh38, 1-based): chr2:237,336,230, G>A on the plus strand (C>T on the coding strand, the complement: COL6A3 is on the minus strand). VCF-style: chr2-237336230-G-A. GRCh37 (hg19) VCF-style: chr2-238244873-G-A.
Other names: c.7049C>T, p.Ala2350Val (NM_057166.5); c.8252C>T, p.Ala2751Val (NM_057167.4); short protein forms A2350V, A2751V, A2957V.
Identifiers: ClinVar variation 942711 (VCV000942711.10), dbSNP rs1287394484, ClinGen allele CA351191189.